The following is an entry in ClinVar:

NM_012123.4(MTO1):c.445A>G (p.Thr149Ala)

Gene: MTO1 (mitochondrial tRNA translation optimization 1; plus strand). Cytogenetic location: 6q13.
Variant type: single nucleotide variant.
Coding change: c.445A>G on transcript NM_012123.4 (MANE Select); coding-DNA position 445, A replaced by G.
Protein change: p.Thr149Ala; replaces threonine 149 with alanine.
Molecular consequence: missense variant.
Genome position (GRCh38, 1-based): chr6:73,466,516, A>G. VCF-style: chr6-73466516-A-G. GRCh37 (hg19) VCF-style: chr6-74176239-A-G.
Other names: c.445A>G, p.Thr149Ala (NM_001123226.2, NM_133645.3); short protein forms T149A.
Identifiers: ClinVar variation 4746276 (VCV004746276.1).

ClinVar aggregate classification (germline): Uncertain significance (1 of 4 stars; one submission).

Conditions:
Mitochondrial hypertrophic cardiomyopathy with lactic acidosis due to MTO1 deficiency. Also called: CARDIOMYOPATHY, INFANTILE HYPERTROPHIC MITOCHONDRIAL, AND LACTIC ACIDOSIS; Combined oxidative phosphorylation deficiency 10. Identifiers: Orphanet 314637, MedGen C4749921, MONDO:0013865, OMIM 614702.

gnomAD v4.1: 5 of 1,614,192 alleles (0.00031%); highest among the groups gnomAD compares: Non-Finnish European, 0.00042%; no homozygotes.

Submission:

Labcorp Genetics (formerly Invitae), Labcorp
Classification: Uncertain significance for Mitochondrial hypertrophic cardiomyopathy with lactic acidosis due to MTO1 deficiency. Last evaluated: 2025-06-14. Review status: criteria provided, single submitter. Criteria: Invitae Variant Classification Sherloc (09022015). Collection method: clinical testing. Allele origin: germline.
Comment: This sequence change replaces threonine, which is neutral and polar, with alanine, which is neutral and non-polar, at codon 149 of the MTO1 protein (p.Thr149Ala). This variant is not present in population databases (gnomAD no frequency). This variant has not been reported in the literature in individuals affected with MTO1-related conditions. Invitae Evidence Modeling of protein sequence and biophysical properties (such as structural, functional, and spatial information, amino acid conservation, physicochemical variation, residue mobility, and thermodynamic stability) indicates that this missense variant is not expected to disrupt MTO1 protein function with a negative predictive value of 80%. In summary, the available evidence is currently insufficient to determine the role of this variant in disease. Therefore, it has been classified as a Variant of Uncertain Significance.